The following is an entry in ClinVar:

ClinVar aggregate classification (germline): Pathogenic/Likely pathogenic. Review status: criteria provided, multiple submitters, no conflicts (2 of 4 stars). 5 submissions from 5 submitters: Pathogenic (3); Likely pathogenic (2). Last evaluated 2025-06-10.

Conditions:
Juvenile myelomonocytic leukemia (JMML). Also called: LEUKEMIA, JUVENILE MYELOMONOCYTIC, SOMATIC. Identifiers: Orphanet 86834, MedGen C0349639, MONDO:0011908, OMIM 607785, HP:0012209.
Neurofibromatosis, type 1 (NF1). Also called: NEUROFIBROMATOSIS, TYPE I, SOMATIC; Neurofibromatosis, type I; Peripheral type neurofibromatosis; VON RECKLINGHAUSEN DISEASE. Identifiers: Orphanet 636, MedGen C0027831, MONDO:0018975, OMIM 162200. Disease mechanism: loss of function.
NF1-related disorder. Also called: NF1-related condition. Identifiers: MedGen CN379171.
Cardiovascular phenotype. Identifiers: MedGen CN230736.
Hereditary cancer-predisposing syndrome. Also called: Tumor predisposition; Neoplastic Syndromes, Hereditary; Hereditary neoplastic syndrome; Hereditary Cancer Syndrome. Identifiers: Orphanet 140162, MedGen C0027672, MeSH D009386, MONDO:0015356.

Submissions (5):

Labcorp Genetics (formerly Invitae), Labcorp
Classification: Pathogenic for Neurofibromatosis, type 1. Last evaluated: 2025-06-10. Review status: criteria provided, single submitter. Criteria: Invitae Variant Classification Sherloc (09022015). Collection method: clinical testing. Allele origin: germline.
Comment: This sequence change replaces arginine, which is basic and polar, with leucine, which is neutral and non-polar, at codon 1204 of the NF1 protein (p.Arg1204Leu). This variant is not present in population databases (gnomAD no frequency). This missense change has been observed in individuals with neurofibromatosis type I (PMID: 26635368). ClinVar contains an entry for this variant (Variation ID: 384082). Invitae Evidence Modeling of protein sequence and biophysical properties (such as structural, functional, and spatial information, amino acid conservation, physicochemical variation, residue mobility, and thermodynamic stability) indicates that this missense variant is expected to disrupt NF1 protein function with a positive predictive value of 95%. Experimental studies have shown that this missense change affects NF1 function (PMID: 26635368). This variant disrupts the p.Arg1204 amino acid residue in NF1. Other variant(s) that disrupt this residue have been determined to be pathogenic (PMID: 10336779, 10607834, 22807134, 27322474). This suggests that this residue is clinically significant, and that variants that disrupt this residue are likely to be disease-causing. For these reasons, this variant has been classified as Pathogenic.

Ambry Genetics
Classification: Pathogenic for Cardiovascular phenotype; Hereditary cancer-predisposing syndrome. Last evaluated: 2025-03-03. Review status: criteria provided, single submitter. Criteria: Ambry Variant Classification Scheme 2023. Collection method: clinical testing. Allele origin: germline.
Comment: The p.R1204L pathogenic mutation (also known as c.3611G>T), located in coding exon 27 of the NF1 gene, results from a G to T substitution at nucleotide position 3611. The arginine at codon 1204 is replaced by leucine, an amino acid with dissimilar properties. This variant was reported in individual(s) with features consistent with neurofibromatosis type 1 (Hirata Y et al. J Biol Chem, 2016 Feb;291:3124-34; Ambry internal data). Other variant(s) at the same codon, p.R1204W (c.3610C>T), have been identified in individual(s) with features consistent with neurofibromatosis type 1 (Ars E et al. Hum. Mol. Genet. 2000 Jan;9:237-47; Hirata Y et al. J. Biol. Chem. 2016 Feb;291:3124-34). This variant is considered to be rare based on population cohorts in the Genome Aggregation Database (gnomAD). This amino acid position is highly conserved in available vertebrate species. In addition, this alteration is predicted to be deleterious by in silico analysis. Based on the supporting evidence, this variant is interpreted as a disease-causing mutation.

Baylor Genetics
Classification: Likely pathogenic for Juvenile myelomonocytic leukemia. Last evaluated: 2023-10-10. Review status: criteria provided, single submitter. Criteria: ACMG Guidelines, 2015. Collection method: clinical testing. Allele origin: unknown.

GeneDx
Classification: Pathogenic. Last evaluated: 2022-12-28. Review status: criteria provided, single submitter. Criteria: GeneDx Variant Classification Process June 2021. Collection method: clinical testing. Allele origin: germline. Affected: yes.
Comment: Published functional studies demonstrate a damaging effect: impaired interaction with SPRED1 (Hirata et al., 2016); Not observed at significant frequency in large population cohorts (gnomAD); In silico analysis supports that this missense variant has a deleterious effect on protein structure/function; This variant is associated with the following publications: (PMID: 25486365, 22807134, 26635368)

Blueprint Genetics
Classification: Likely pathogenic for NF1-related disorders. Last evaluated: 2020-02-27. Review status: criteria provided, single submitter. Criteria: ACMG Guidelines, 2015. Collection method: clinical testing. Allele origin: germline. Affected: yes. Observed: 1 variant allele.

Literature cited by the submitters: PubMed 26635368 (cited by Labcorp Genetics (formerly Invitae), Labcorp and Ambry Genetics); PubMed 10336779 (cited by Labcorp Genetics (formerly Invitae), Labcorp); PubMed 10607834 (cited by Labcorp Genetics (formerly Invitae), Labcorp); PubMed 22807134 (cited by Labcorp Genetics (formerly Invitae), Labcorp); PubMed 27322474 (cited by Labcorp Genetics (formerly Invitae), Labcorp).

NM_001042492.3(NF1):c.3611G>T (p.Arg1204Leu)

Gene: NF1 (neurofibromin 1; plus strand). Cytogenetic location: 17q11.2.
Variant type: single nucleotide variant.
Coding change: c.3611G>T on transcript NM_001042492.3 (MANE Select); coding-DNA position 3611, G replaced by T.
Protein change: p.Arg1204Leu; replaces arginine 1204 with leucine.
Molecular consequence: missense variant.
Genome position (GRCh38, 1-based): chr17:31,233,116, G>T. VCF-style: chr17-31233116-G-T. GRCh37 (hg19) VCF-style: chr17-29560134-G-T.
Other names: c.3611G>T, p.Arg1204Leu (NM_000267.4); short protein forms R1204L.
Identifiers: ClinVar variation 384082 (VCV000384082.11), dbSNP rs1057521848, ClinGen allele CA16608393.